The following is an entry in ClinVar:

ClinVar aggregate classification (germline): Pathogenic. Review status: reviewed by expert panel (3 of 4 stars). 4 submissions from 4 submitters: Pathogenic (1). 3 of the submissions do not count toward it. Last evaluated 2016-10-18.

Conditions:
Hereditary breast ovarian cancer syndrome. Also called: Breast and ovarian cancer; BRCA1- and BRCA2-Associated Hereditary Breast and Ovarian Cancer; Hereditary breast and ovarian cancer; Hereditary breast and ovarian cancer syndrome (HBOC); Hereditary breast and ovarian cancer syndrome; Hereditary breast and/or ovarian cancer syndrome. Identifiers: Orphanet 145, MedGen C0677776, MeSH D061325, MONDO:0003582. Disease mechanism: loss of function.
Breast-ovarian cancer, familial, susceptibility to, 1 (BROVCA1). Also called: BRCA1 Hereditary Breast and Ovarian Cancer; OVARIAN CANCER, SUSCEPTIBILITY TO. Identifiers: Orphanet 145, MedGen C2676676, MONDO:0011450, OMIM 604370. Disease mechanism: loss of function.

Submissions (4):

Evidence-based Network for the Interpretation of Germline Mutant Alleles (ENIGMA)
Classification: Pathogenic for Breast-ovarian cancer, familial, susceptibility to, 1. Last evaluated: 2016-10-18. Review status: reviewed by expert panel. Criteria: ENIGMA BRCA1/2 Classification Criteria (2015). Collection method: curation. Allele origin: germline.
Comment: Variant allele predicted to encode a truncated non-functional protein.

CeGaT Center for Human Genetics Tuebingen
Classification: Pathogenic. Last evaluated: 2024-07-01. Review status: criteria provided, single submitter. Criteria: CeGaT Center For Human Genetics Tuebingen Variant Classification Criteria Version 2. Collection method: clinical testing. Allele origin: germline. Affected: yes. Observed: 1 variant allele. Not counted in ClinVar's aggregate classification.
Comment: BRCA1: PVS1, PM2

Labcorp Genetics (formerly Invitae), Labcorp
Classification: Pathogenic for Hereditary breast ovarian cancer syndrome. Last evaluated: 2019-10-29. Review status: criteria provided, single submitter. Criteria: Invitae Variant Classification Sherloc (09022015). Collection method: clinical testing. Allele origin: germline. Not counted in ClinVar's aggregate classification.
Comment: This sequence change creates a premature translational stop signal (p.Gln1118Hisfs*3) in the BRCA1 gene. It is expected to result in an absent or disrupted protein product. This variant is not present in population databases (ExAC no frequency). This variant has been observed in individual(s) with breast and/or ovarian cancer (PMID: 16287141). ClinVar contains an entry for this variant (Variation ID: 54854). Loss-of-function variants in BRCA1 are known to be pathogenic (PMID: 20104584). For these reasons, this variant has been classified as Pathogenic.

Consortium of Investigators of Modifiers of BRCA1/2 (CIMBA), c/o University of Cambridge
Classification: Pathogenic for Breast-ovarian cancer, familial, susceptibility to, 1. Last evaluated: 2015-10-02. Review status: criteria provided, single submitter. Criteria: CIMBA Mutation Classification guidelines May 2016. Collection method: clinical testing. Allele origin: germline. Not counted in ClinVar's aggregate classification.

Literature cited by the submitters: PubMed 16287141 (cited by Labcorp Genetics (formerly Invitae), Labcorp); PubMed 20104584 (cited by Labcorp Genetics (formerly Invitae), Labcorp).

NM_007294.4(BRCA1):c.3354_3355del (p.Gln1118fs)

Genes: BRCA1 (BRCA1 DNA repair associated; minus strand), LOC126862571 (BRD4-independent group 4 enhancer GRCh37_chr17:41243136-41244335; plus strand). Cytogenetic location: 17q21.31.
Variant type: Deletion.
Coding change: c.3354_3355del on transcript NM_007294.4 (MANE Select); coding-DNA positions 3354 to 3355, 2 bases deleted (GA; older notation c.3354_3355delGA).
Protein change: p.Gln1118fs; shifts the reading frame from glutamine 1118.
Molecular consequence: frameshift variant. On other transcripts: intron variant (137).
Genome position (GRCh38, 1-based): chr17:43,092,176-43,092,177, TC deleted on the plus strand (GA on the coding strand, the reverse complement: BRCA1 is on the minus strand); deleting any 2 consecutive bases within chr17:43,092,176-43,092,178 gives the same sequence; the c. name uses the placement nearest the transcript's 3' end. VCF-style (leftmost placement, unchanged base first): chr17-43092175-GTC-G. GRCh37 (hg19) VCF-style: chr17-41244192-GTC-G.
Other names: 3473delGA; c.3354_3355delGA (NM_007294.3); c.3351_3352del, p.Gln1117fs (NM_001407644.1, NM_001407645.1, NM_001407860.1 and 22 more transcripts); c.3345_3346del, p.Gln1115fs (NM_001407646.1, NM_001407647.1); c.3231_3232del, p.Gln1077fs (NM_001407648.1, NM_001407664.1, NM_001407665.1 and 19 more transcripts); c.3228_3229del, p.Gln1076fs (NM_001407649.1, NM_001407670.1, NM_001407671.1 and 11 more transcripts); c.3354_3355del, p.Gln1118fs (NM_001407652.1, NM_001407684.1, NM_001407854.1 and 30 more transcripts); c.3276_3277del, p.Gln1092fs (NM_001407653.1, NM_001407654.1, NM_001407655.1 and 4 more transcripts); and 43 more; short protein forms Q1071fs, Q1118fs, Q1007fs, Q1030fs, Q1050fs, Q1051fs, Q1076fs, Q1048fs.
Identifiers: ClinVar variation 54854 (VCV000054854.32), dbSNP rs397509059, ClinGen allele CA002174.